The following is an entry in ClinVar:

ClinVar aggregate classification (germline): Benign (1 of 4 stars; one submission).

Allele frequency attached by ClinVar (database versions not stated): 1000 Genomes Project 30x 0.98360; 1000 Genomes Project 0.98403; TOPMed 0.98508; gnomAD 0.98674.
gnomAD v4.1: 150,299 of 152,228 alleles (99%); highest among the groups gnomAD compares: South Asian, 100%; 74,227 homozygotes.

Submission:

GeneDx
Classification: Benign. Last evaluated: 2018-06-14. Review status: criteria provided, single submitter. Criteria: GeneDx Variant Classification (06012015). Collection method: clinical testing. Allele origin: germline. Affected: yes.
Comment: This variant is considered likely benign or benign based on one or more of the following criteria: it is a conservative change, it occurs at a poorly conserved position in the protein, it is predicted to be benign by multiple in silico algorithms, and/or has population frequency not consistent with disease.

NM_003680.4(YARS1):c.685-211A>G

Genes: YARS1 (tyrosyl-tRNA synthetase 1; minus strand), LOC126805688 (BRD4-independent group 4 enhancer GRCh37_chr1:33251929-33253128; plus strand). Cytogenetic location: 1p35.1.
Variant type: single nucleotide variant.
Coding change: c.685-211A>G on transcript NM_003680.4 (MANE Select); 211 bases into the intron before coding-DNA position 685, A replaced by G.
Molecular consequence: intron variant.
Genome position (GRCh38, 1-based): chr1:32,787,286, T>C on the plus strand (A>G on the coding strand, the complement: YARS1 is on the minus strand). VCF-style: chr1-32787286-T-C. GRCh37 (hg19) VCF-style: chr1-33252887-T-C.
Identifiers: ClinVar variation 670336 (VCV000670336.1), dbSNP rs785416, ClinGen allele CA20279514.